The following is an entry in ClinVar:

NM_198576.4(AGRN):c.4202G>A (p.Arg1401Gln)

Gene: AGRN (agrin; plus strand). Cytogenetic location: 1p36.33.
Variant type: single nucleotide variant.
Coding change: c.4202G>A on transcript NM_198576.4 (MANE Select); coding-DNA position 4202, G replaced by A.
Protein change: p.Arg1401Gln; replaces arginine 1401 with glutamine.
Molecular consequence: missense variant.
Genome position (GRCh38, 1-based): chr1:1,048,963, G>A. VCF-style: chr1-1048963-G-A. GRCh37 (hg19) VCF-style: chr1-984343-G-A.
Other names: c.4202G>A, p.Arg1401Gln (NM_001305275.2); c.3887G>A, p.Arg1296Gln (NM_001364727.2); short protein forms R1296Q, R1401Q.
Identifiers: ClinVar variation 1058468 (VCV001058468.9), dbSNP rs777248655, ClinGen allele CA16700388.
Genomic context (GRCh38, chr1:1,048,963, plus strand): 5'-CCTTCCTGGCCTTCCCCACTCTCCGCGCCTACCACACGCTGCGCCTGGCACTGGAATTCC[G>A]GGCGCTGGAGCCTCAGGGGCTGCTGCTGTACAATGGCAACGCCCGGGGCAAGGACTTCCT-3'
Protein context (NP_940978.2, residues 1391-1411): YHTLRLALEF[Arg1401Gln]ALEPQGLLLY

ClinVar aggregate classification (germline): Uncertain significance (1 of 4 stars; one submission).

Conditions:
Congenital myasthenic syndrome 8. Also called: MYASTHENIC SYNDROME, CONGENITAL, DUE TO AGRIN DEFICIENCY; Myasthenic syndrome, congenital, 8, with pre- and postsynaptic defects. Identifiers: Orphanet 590, MedGen C3808739, MONDO:0014052, OMIM 615120.

Allele frequency attached by ClinVar (database versions not stated): TOPMed below 0.00001; gnomAD 0.00002.
gnomAD v4.1: 15 of 1,572,394 alleles (0.00095%); highest among the groups gnomAD compares: South Asian, 0.0023%; no homozygotes.

Submission:

Labcorp Genetics (formerly Invitae), Labcorp
Classification: Uncertain significance for Congenital myasthenic syndrome 8. Last evaluated: 2020-03-14. Review status: criteria provided, single submitter. Criteria: Invitae Variant Classification Sherloc (09022015). Collection method: clinical testing. Allele origin: germline.
Comment: This sequence change replaces arginine with glutamine at codon 1401 of the AGRN protein (p.Arg1401Gln). The arginine residue is highly conserved and there is a small physicochemical difference between arginine and glutamine. While this variant is not present in population databases, the frequency information is unreliable, as metrics indicate poor data quality at this position in the ExAC database. In summary, the available evidence is currently insufficient to determine the role of this variant in disease. Therefore, it has been classified as a Variant of Uncertain Significance. Algorithms developed to predict the effect of sequence changes on RNA splicing suggest that this variant may create or strengthen a splice site, but this prediction has not been confirmed by published transcriptional studies. Algorithms developed to predict the effect of missense changes on protein structure and function do not agree on the potential impact of this missense change (SIFT: "Deleterious"; PolyPhen-2: "Probably Damaging"; Align-GVGD: "Class C0"). This variant has not been reported in the literature in individuals with AGRN-related disease.